The following is an entry in ClinVar:

ClinVar aggregate classification (germline): Pathogenic (1 of 4 stars; one submission).

Conditions:
Retinoblastoma (RB1). Also called: RETINOBLASTOMA, SOMATIC. Identifiers: Orphanet 790, MedGen C0035335, MeSH D012175, MONDO:0008380, OMIM 180200, HP:0009919. Disease mechanism: loss of function. Inheritance: Both sporadic and heritable forms are tested..

Submission:

Genetic Diagnostic Laboratory, University of Pennsylvania School of Medicine
Classification: Pathogenic for Retinoblastoma. Last evaluated: 2024-05-20. Review status: criteria provided, single submitter. Criteria: ACMG Guidelines, 2015. Collection method: clinical testing. Allele origin: germline. Affected: yes. Observed: 1 variant allele.
Comment: Case and Pedigree Information: BILATERAL CASES:1, UNILATERAL CASES:0, TOTAL CASES:1, PEDIGREES:1. ACMG Codes Applied:PVS1, PM2

NM_000321.3(RB1):c.2457dup (p.Pro820fs)

Gene: RB1 (RB transcriptional corepressor 1; plus strand). Cytogenetic location: 13q14.2.
Variant type: Duplication.
Coding change: c.2457dup on transcript NM_000321.3 (MANE Select); coding-DNA position 2457, one base duplicated (G; older notation c.2457dupG).
Protein change: p.Pro820fs; shifts the reading frame from proline 820.
Molecular consequence: frameshift variant.
Genome position (GRCh38, 1-based): chr13:48,465,336, G duplicated. VCF-style (leftmost placement, unchanged base first): chr13-48465335-T-TG. GRCh37 (hg19) VCF-style: chr13-49039471-T-TG.
Other names: c.2457dup, p.Pro820fs (NM_001407165.1); short protein forms P820fs.
Identifiers: ClinVar variation 3237096 (VCV003237096.1), dbSNP rs2542376106.